The following is an entry in ClinVar:

NM_004360.5(CDH1):c.2533C>G (p.Leu845Val)

Gene: CDH1 (cadherin 1; plus strand). Cytogenetic location: 16q22.1.
Variant type: single nucleotide variant.
Coding change: c.2533C>G on transcript NM_004360.5 (MANE Select); coding-DNA position 2533, C replaced by G.
Protein change: p.Leu845Val; replaces leucine 845 with valine.
Molecular consequence: missense variant.
Genome position (GRCh38, 1-based): chr16:68,833,383, C>G. VCF-style: chr16-68833383-C-G. GRCh37 (hg19) VCF-style: chr16-68867286-C-G.
Other names: c.2350C>G, p.Leu784Val (NM_001317184.2); c.985C>G, p.Leu329Val (NM_001317185.2); c.568C>G, p.Leu190Val (NM_001317186.2); short protein forms L190V, L329V, L784V, L845V.
Identifiers: ClinVar variation 4758160 (VCV004758160.1).

ClinVar aggregate classification (germline): Uncertain significance (1 of 4 stars; one submission).

Conditions:
Hereditary cancer-predisposing syndrome. Also called: Tumor predisposition; Hereditary Cancer Syndrome; Neoplastic Syndromes, Hereditary; Hereditary neoplastic syndrome. Identifiers: Orphanet 140162, MedGen C0027672, MeSH D009386, MONDO:0015356.

Submission:

Color Diagnostics, LLC DBA Color Health
Classification: Uncertain significance for Hereditary cancer-predisposing syndrome. Last evaluated: 2025-10-12. Review status: criteria provided, single submitter. Criteria: ACMG Guidelines, 2015. Collection method: clinical testing. Allele origin: germline.
Comment: This missense variant replaces leucine with valine at codon 845 of the CDH1 protein. To our knowledge, functional studies have not been reported for this variant. This variant has not been reported in individuals affected with CDH1-related disorders in the literature. This variant has not been identified in the general population by the Genome Aggregation Database (gnomAD). The available evidence is insufficient to determine the role of this variant in disease conclusively. Therefore, this variant is classified as a Variant of Uncertain Significance.